The following is an entry in ClinVar:

ClinVar aggregate classification (germline): Uncertain significance. Review status: criteria provided, multiple submitters, no conflicts (2 of 4 stars). 2 submissions from 2 submitters: Uncertain significance (2). Last evaluated 2023-08-29.

Conditions:
Progressive microcephaly-seizures-cortical blindness-developmental delay syndrome. Also called: Seizures, cortical blindness, and microcephaly syndrome. Identifiers: Orphanet 477814, MedGen C5567650, MONDO:0014714, OMIM 616632.
Autosomal dominant nonsyndromic hearing loss 1. Also called: KONIGSMARK SYNDROME; DEAFNESS, AUTOSOMAL DOMINANT 1, WITH OR WITHOUT THROMBOCYTOPENIA. Identifiers: Orphanet 90635, MedGen C1852282, MONDO:0007424, OMIM 124900.

Allele frequency attached by ClinVar (database versions not stated): ExAC 0.00002.
gnomAD v4.1: 5 of 1,613,216 alleles (0.00031%); highest among the groups gnomAD compares: South Asian, 0.0055%; no homozygotes.

Submissions (2):

Labcorp Genetics (formerly Invitae), Labcorp
Classification: Uncertain significance for Progressive microcephaly-seizures-cortical blindness-developmental delay syndrome; Autosomal dominant nonsyndromic hearing loss 1. Last evaluated: 2023-08-29. Review status: criteria provided, single submitter. Criteria: Invitae Variant Classification Sherloc (09022015). Collection method: clinical testing. Allele origin: germline.
Comment: This sequence change replaces alanine, which is neutral and non-polar, with serine, which is neutral and polar, at codon 821 of the DIAPH1 protein (p.Ala821Ser). This variant is present in population databases (rs201900613, gnomAD 0.006%). This variant has not been reported in the literature in individuals affected with DIAPH1-related conditions. ClinVar contains an entry for this variant (Variation ID: 1723628). An algorithm developed to predict the effect of missense changes on protein structure and function (PolyPhen-2) suggests that this variant is likely to be tolerated. In summary, the available evidence is currently insufficient to determine the role of this variant in disease. Therefore, it has been classified as a Variant of Uncertain Significance.

GeneDx
Classification: Uncertain significance. Last evaluated: 2022-11-08. Review status: criteria provided, single submitter. Criteria: GeneDx Variant Classification Process June 2021. Collection method: clinical testing. Allele origin: germline. Affected: yes.
Comment: In silico analysis supports that this missense variant does not alter protein structure/function; Has not been previously published as pathogenic or benign to our knowledge

NM_005219.5(DIAPH1):c.2461G>T (p.Ala821Ser)

Gene: DIAPH1 (diaphanous related formin 1; minus strand). Cytogenetic location: 5q31.3.
Variant type: single nucleotide variant.
Coding change: c.2461G>T on transcript NM_005219.5 (MANE Select); coding-DNA position 2461, G replaced by T.
Protein change: p.Ala821Ser; replaces alanine 821 with serine.
Molecular consequence: missense variant.
Genome position (GRCh38, 1-based): chr5:141,571,938, C>A on the plus strand (G>T on the coding strand, the complement: DIAPH1 is on the minus strand). VCF-style: chr5-141571938-C-A. GRCh37 (hg19) VCF-style: chr5-140951505-C-A.
Other names: c.2434G>T, p.Ala812Ser (NM_001079812.3); c.2461G>T, p.Ala821Ser (NM_001314007.2); short protein forms A812S, A821S.
Identifiers: ClinVar variation 1723628 (VCV001723628.5), dbSNP rs201900613, ClinGen allele CA3479076.
Genomic context (GRCh38, chr5:141,571,938, plus strand): 5'-ATTCTAAGCCCTACACTGGACCTTTGCATCAAAGAGGAAGGTACTCACTCTTGGTCTGGG[C>A]AGAGAAGGTAAGGGTAAGTTTGGCGAAAAGTTCATTGTTCTCAAAGCGGTCCTCCTTCAC-3'
Protein context (NP_005210.3, residues 811-831): LFAKLTLTFS[Ala821Ser]QTKTSKAKKD